The following is an entry in ClinVar:

NM_005560.6(LAMA5):c.9733C>T (p.Leu3245Phe)

Gene: LAMA5 (laminin subunit alpha 5; minus strand). Cytogenetic location: 20q13.33.
Variant type: single nucleotide variant.
Coding change: c.9733C>T on transcript NM_005560.6 (MANE Select); coding-DNA position 9733, C replaced by T.
Protein change: p.Leu3245Phe; replaces leucine 3245 with phenylalanine.
Molecular consequence: missense variant.
Genome position (GRCh38, 1-based): chr20:62,311,687, G>A on the plus strand (C>T on the coding strand, the complement: LAMA5 is on the minus strand). VCF-style: chr20-62311687-G-A. GRCh37 (hg19) VCF-style: chr20-60886743-G-A.
Other names: short protein forms L3245F.
Identifiers: ClinVar variation 787499 (VCV000787499.13), dbSNP rs186119136, ClinGen allele CA9940082.

ClinVar aggregate classification (germline): Benign. Review status: criteria provided, multiple submitters, no conflicts (2 of 4 stars). 3 submissions from 3 submitters: Benign (2). 1 of the submissions does not count toward it. Last evaluated 2026-01-19.

Conditions:
LAMA5-related disorder. Also called: LAMA5-Related Disorders; LAMA5-related condition.

Allele frequency attached by ClinVar (database versions not stated): gnomAD exomes 0.00028 and 0.00069; ExAC 0.00159; ESP Exome Variant Server 0.00272; gnomAD 0.00336 and 0.00359; TOPMed 0.00350; 1000 Genomes Project 0.00379; 1000 Genomes Project 30x 0.00437.
gnomAD v4.1: 913 of 1,582,508 alleles (0.058%); highest among the groups gnomAD compares: African/African-American, 1.2%; 4 homozygotes.

Submissions (3):

Labcorp Genetics (formerly Invitae), Labcorp
Classification: Benign. Last evaluated: 2026-01-19. Review status: criteria provided, single submitter. Criteria: Invitae Variant Classification Sherloc (09022015). Collection method: clinical testing. Allele origin: germline.

Breakthrough Genomics
Classification: Benign. Review status: criteria provided, single submitter. Criteria: ACMG Guidelines, 2015. Collection method: not provided. Allele origin: germline. Inheritance: Autosomal recessive inheritance. Affected: yes.

PreventionGenetics, part of Exact Sciences
Classification: Benign for LAMA5-related condition. Last evaluated: 2019-04-25. Review status: no assertion criteria provided. Collection method: clinical testing. Allele origin: germline. Not counted in ClinVar's aggregate classification.
Comment: This variant is classified as benign based on ACMG/AMP sequence variant interpretation guidelines (Richards et al. 2015 PMID: 25741868, with internal and published modifications).